The following is an entry in ClinVar:

ClinVar aggregate classification (germline): Likely benign (0 of 4 stars; one submission).

Conditions:
GZF1-related disorder. Also called: GZF1-related condition.

Allele frequency attached by ClinVar (database versions not stated): ExAC 0.00002; gnomAD exomes 0.00002.

Submission:

PreventionGenetics, part of Exact Sciences
Classification: Likely benign for GZF1-related condition. Last evaluated: 2023-11-07. Review status: no assertion criteria provided. Collection method: clinical testing. Allele origin: germline.
Comment: This variant is classified as likely benign based on ACMG/AMP sequence variant interpretation guidelines (Richards et al. 2015 PMID: 25741868, with internal and published modifications).

NM_022482.5(GZF1):c.156G>T (p.Val52=)

Gene: GZF1 (GDNF inducible zinc finger protein 1; plus strand). Cytogenetic location: 20p11.21.
Variant type: single nucleotide variant.
Coding change: c.156G>T on transcript NM_022482.5 (MANE Select); coding-DNA position 156, G replaced by T.
Protein change: p.Val52=; no amino-acid change (valine 52 retained).
Molecular consequence: synonymous variant.
Genome position (GRCh38, 1-based): chr20:23,364,539, G>T. VCF-style: chr20-23364539-G-T. GRCh37 (hg19) VCF-style: chr20-23345176-G-T.
Other names: c.156G>T, p.Val52= (NM_001317012.2, NM_001317019.1).
Identifiers: ClinVar variation 3061507 (VCV003061507.2), dbSNP rs777850882, ClinGen allele CA9788471.
Genomic context (GRCh38, chr20:23,364,539, plus strand): 5'-CGTGACAGTCAGCGTGGAGTATCAGGGTGTCCGCAAAGACTTCATGGCCCACAAGGCAGT[G>T]CTGGCTGCCACCAGCAAGTTTTTTAAGGAAGTGTTCCTTAATGAGAAGAGTGTGGATGGT-3'
Protein context (NP_071927.1, residues 42-62): VRKDFMAHKA[Val52=]LAATSKFFKE